The following is an entry in ClinVar:

NM_024642.5(GALNT12):c.1612T>A (p.Ser538Thr)

Gene: GALNT12 (polypeptide N-acetylgalactosaminyltransferase 12; plus strand). Cytogenetic location: 9q22.33.
Variant type: single nucleotide variant.
Coding change: c.1612T>A on transcript NM_024642.5 (MANE Select); coding-DNA position 1612, T replaced by A.
Protein change: p.Ser538Thr; replaces serine 538 with threonine.
Molecular consequence: missense variant.
Genome position (GRCh38, 1-based): chr9:98,848,958, T>A. VCF-style: chr9-98848958-T-A. GRCh37 (hg19) VCF-style: chr9-101611240-T-A.
Other names: short protein forms S538T.
Identifiers: ClinVar variation 3227932 (VCV003227932.1), dbSNP rs2490565306, ClinGen allele CA374222683.

ClinVar aggregate classification (germline): Uncertain significance (1 of 4 stars; one submission).

Submission:

Ambry Genetics
Classification: Uncertain significance. Last evaluated: 2023-11-30. Review status: criteria provided, single submitter. Criteria: Ambry Variant Classification Scheme 2023. Collection method: clinical testing. Allele origin: germline.
Comment: The p.S538T variant (also known as c.1612T>A), located in coding exon 10 of the GALNT12 gene, results from a T to A substitution at nucleotide position 1612. The serine at codon 538 is replaced by threonine, an amino acid with similar properties. This amino acid position is conserved. In addition, this alteration is predicted to be tolerated by in silico analysis. Since supporting evidence is limited at this time, the clinical significance of this alteration remains unclear.